The following is an entry in ClinVar:

ClinVar aggregate classification (germline): Uncertain significance (1 of 4 stars; one submission).

Conditions:
Duchenne muscular dystrophy (DMD). Also called: MUSCULAR DYSTROPHY, PSEUDOHYPERTROPHIC PROGRESSIVE, DUCHENNE TYPE; Duchenne Muscular Dystrophy (DMD). Identifiers: Orphanet 98896, MedGen C0013264, MONDO:0010679, OMIM 310200.

Submission:

Labcorp Genetics (formerly Invitae), Labcorp
Classification: Uncertain significance for Duchenne muscular dystrophy. Last evaluated: 2021-12-22. Review status: criteria provided, single submitter. Criteria: Invitae Variant Classification Sherloc (09022015). Collection method: clinical testing. Allele origin: germline.
Comment: This sequence change replaces serine, which is neutral and polar, with threonine, which is neutral and polar, at codon 894 of the DMD protein (p.Ser894Thr). This variant is not present in population databases (gnomAD no frequency). This variant has not been reported in the literature in individuals affected with DMD-related conditions. Algorithms developed to predict the effect of missense changes on protein structure and function are either unavailable or do not agree on the potential impact of this missense change (SIFT: "Tolerated"; PolyPhen-2: "Possibly Damaging"; Align-GVGD: "Class C0"). In summary, the available evidence is currently insufficient to determine the role of this variant in disease. Therefore, it has been classified as a Variant of Uncertain Significance.

NM_004006.3(DMD):c.2681G>C (p.Ser894Thr)

Gene: DMD (dystrophin; minus strand). Cytogenetic location: Xp21.1.
Variant type: single nucleotide variant.
Coding change: c.2681G>C on transcript NM_004006.3 (MANE Select); coding-DNA position 2681, G replaced by C.
Protein change: p.Ser894Thr; replaces serine 894 with threonine.
Molecular consequence: missense variant.
Genome position (GRCh38, 1-based): chrX:32,485,041, C>G on the plus strand (G>C on the coding strand, the complement: DMD is on the minus strand). VCF-style: chrX-32485041-C-G. GRCh37 (hg19) VCF-style: chrX-32503158-C-G.
Other names: c.2657G>C, p.Ser886Thr (NM_000109.4); c.2669G>C, p.Ser890Thr (NM_004009.3); c.2312G>C, p.Ser771Thr (NM_004010.3); short protein forms S771T, S886T, S890T, S894T.
Identifiers: ClinVar variation 2042429 (VCV002042429.4), dbSNP rs2148583949, ClinGen allele CA412670936.
Genomic context (GRCh38, chrX:32,485,041, plus strand): 5'-AAGGCCACAAAGTCTGCATCCAGGAACATGGGTCCTTGTCCTTTCTCTTTCAGGGCTATG[C>G]TTTGAATTTTTAATCGTTCAATTTGAGGTTGAAGATCTGATAGCCGGTTGACTTCATCCT-3'
Protein context (NP_003997.2, residues 884-904): QPQIERLKIQ[Ser894Thr]IALKEKGQGP